The following is an entry in ClinVar:

ClinVar aggregate classification (germline): Uncertain significance. Review status: criteria provided, multiple submitters, no conflicts (2 of 4 stars). 2 submissions from 2 submitters: Uncertain significance (2). Last evaluated 2025-02-23.

Allele frequency attached by ClinVar (database versions not stated): ExAC 0.00002; gnomAD 0.00002 and 0.00001; gnomAD exomes 0.00001; TOPMed 0.00002.
gnomAD v4.1: 11 of 1,613,816 alleles (0.00068%); highest among the groups gnomAD compares: Admixed American, 0.0033%; no homozygotes.

Submissions (2):

Labcorp Genetics (formerly Invitae), Labcorp
Classification: Uncertain significance. Last evaluated: 2025-02-23. Review status: criteria provided, single submitter. Criteria: Invitae Variant Classification Sherloc (09022015). Collection method: clinical testing. Allele origin: germline.
Comment: This sequence change replaces valine, which is neutral and non-polar, with isoleucine, which is neutral and non-polar, at codon 1490 of the NALCN protein (p.Val1490Ile). This variant is present in population databases (rs770660098, gnomAD 0.01%). This variant has not been reported in the literature in individuals affected with NALCN-related conditions. ClinVar contains an entry for this variant (Variation ID: 1306450). Invitae Evidence Modeling of protein sequence and biophysical properties (such as structural, functional, and spatial information, amino acid conservation, physicochemical variation, residue mobility, and thermodynamic stability) indicates that this missense variant is not expected to disrupt NALCN protein function with a negative predictive value of 80%. In summary, the available evidence is currently insufficient to determine the role of this variant in disease. Therefore, it has been classified as a Variant of Uncertain Significance.

GeneDx
Classification: Uncertain significance. Last evaluated: 2019-06-12. Review status: criteria provided, single submitter. Criteria: GeneDx Variant Classification Process June 2021. Collection method: clinical testing. Allele origin: germline. Affected: yes.
Comment: In silico analysis, which includes protein predictors and evolutionary conservation, supports that this variant does not alter protein structure/function; Has not been previously published as pathogenic or benign to our knowledge

NM_052867.4(NALCN):c.4468G>A (p.Val1490Ile)

Gene: NALCN (sodium leak channel, non-selective; minus strand). Cytogenetic location: 13q32.3.
Variant type: single nucleotide variant.
Coding change: c.4468G>A on transcript NM_052867.4 (MANE Select); coding-DNA position 4468, G replaced by A.
Protein change: p.Val1490Ile; replaces valine 1490 with isoleucine.
Molecular consequence: missense variant.
Genome position (GRCh38, 1-based): chr13:101,065,540, C>T on the plus strand (G>A on the coding strand, the complement: NALCN is on the minus strand). VCF-style: chr13-101065540-C-T. GRCh37 (hg19) VCF-style: chr13-101717892-C-T.
Other names: c.4555G>A, p.Val1519Ile (NM_001350748.2); c.4468G>A, p.Val1490Ile (NM_001350749.2); c.4381G>A, p.Val1461Ile (NM_001350750.2, NM_001350751.2); short protein forms V1461I, V1490I, V1519I.
Identifiers: ClinVar variation 1306450 (VCV001306450.4), dbSNP rs770660098, ClinGen allele CA7035103.